The following is an entry in ClinVar:

NM_006734.4(HIVEP2):c.3203C>T (p.Thr1068Met)

Gene: HIVEP2 (HIVEP zinc finger 2; minus strand). Cytogenetic location: 6q24.2.
Variant type: single nucleotide variant.
Coding change: c.3203C>T on transcript NM_006734.4 (MANE Select); coding-DNA position 3203, C replaced by T.
Protein change: p.Thr1068Met; replaces threonine 1068 with methionine.
Molecular consequence: missense variant.
Genome position (GRCh38, 1-based): chr6:142,771,536, G>A on the plus strand (C>T on the coding strand, the complement: HIVEP2 is on the minus strand). VCF-style: chr6-142771536-G-A. GRCh37 (hg19) VCF-style: chr6-143092673-G-A.
Other names: short protein forms T1068M.
Identifiers: ClinVar variation 1975654 (VCV001975654.27), dbSNP rs187442388, ClinGen allele CA4028299.
Genomic context (GRCh38, chr6:142,771,536, plus strand): 5'-CCACTGAAGGAAGCTTGCCGCACCAGAAAGCATTTCTTCCTCTCCCTGGACGGTGATACC[G>A]TGGAGGCTGCTGCTCCCGACACAGGAGCATGGGACAGATTCCCATAATCAAATGATTTGC-3'
Protein context (NP_006725.3, residues 1058-1078): HAPVSGAAAS[Thr1068Met]VSPSRERKKC

ClinVar aggregate classification (germline): Likely benign. Review status: criteria provided, multiple submitters, no conflicts (2 of 4 stars). 2 submissions from 2 submitters: Likely benign (2). Last evaluated 2024-10-16.

Allele frequency attached by ClinVar (database versions not stated): gnomAD 0.00002; gnomAD exomes 0.00003; TOPMed 0.00003; ExAC 0.00009; 1000 Genomes Project 0.00020; 1000 Genomes Project 30x 0.00031.
gnomAD v4.1: 48 of 1,613,850 alleles (0.003%); highest among the groups gnomAD compares: Admixed American, 0.028%; no homozygotes.

Submissions (2):

Labcorp Genetics (formerly Invitae), Labcorp
Classification: Likely benign. Last evaluated: 2024-10-16. Review status: criteria provided, single submitter. Criteria: Invitae Variant Classification Sherloc (09022015). Collection method: clinical testing. Allele origin: germline.

CeGaT Center for Human Genetics Tuebingen
Classification: Likely benign. Last evaluated: 2023-12-01. Review status: criteria provided, single submitter. Criteria: CeGaT Center For Human Genetics Tuebingen Variant Classification Criteria Version 2. Collection method: clinical testing. Allele origin: germline. Affected: yes. Observed: 1 variant allele.
Comment: HIVEP2: BP4, BS2